The following is an entry in ClinVar:

NM_017654.4(SAMD9):c.2261T>A (p.Leu754Gln)

Gene: SAMD9 (sterile alpha motif domain containing 9; minus strand). Cytogenetic location: 7q21.2.
Variant type: single nucleotide variant.
Coding change: c.2261T>A on transcript NM_017654.4 (MANE Select); coding-DNA position 2261, T replaced by A.
Protein change: p.Leu754Gln; replaces leucine 754 with glutamine.
Molecular consequence: missense variant.
Genome position (GRCh38, 1-based): chr7:93,103,837, A>T on the plus strand (T>A on the coding strand, the complement: SAMD9 is on the minus strand). VCF-style: chr7-93103837-A-T. GRCh37 (hg19) VCF-style: chr7-92733150-A-T.
Other names: c.2261T>A, p.Leu754Gln (NM_001193307.2); short protein forms L754Q.
Identifiers: ClinVar variation 4159080 (VCV004159080.1).

ClinVar aggregate classification (germline): Uncertain significance (1 of 4 stars; one submission).

Conditions:
Inborn genetic diseases. Identifiers: MedGen C0950123, MeSH D030342.

Submission:

Ambry Genetics
Classification: Uncertain significance for Inborn genetic diseases. Last evaluated: 2025-07-12. Review status: criteria provided, single submitter. Criteria: Ambry Variant Classification Scheme 2023. Collection method: clinical testing. Allele origin: germline.
Comment: The p.L754Q variant (also known as c.2261T>A), located in coding exon 1 of the SAMD9 gene, results from a T to A substitution at nucleotide position 2261. The leucine at codon 754 is replaced by glutamine, an amino acid with dissimilar properties. This amino acid position is conserved. In addition, this alteration is predicted to be deleterious by in silico analysis. Based on the available evidence, the clinical significance of this variant remains unclear.